The following is an entry in ClinVar:

NM_019842.4(KCNQ5):c.1039G>A (p.Gly347Ser)

Gene: KCNQ5 (potassium voltage-gated channel subfamily Q member 5; plus strand). Cytogenetic location: 6q13.
Variant type: single nucleotide variant.
Coding change: c.1039G>A on transcript NM_019842.4 (MANE Select); coding-DNA position 1039, G replaced by A.
Protein change: p.Gly347Ser; replaces glycine 347 with serine.
Molecular consequence: missense variant.
Genome position (GRCh38, 1-based): chr6:73,111,317, G>A. VCF-style: chr6-73111317-G-A. GRCh37 (hg19) VCF-style: chr6-73821040-G-A.
Other names: c.1039G>A, p.Gly347Ser (NM_001160130.2, NM_001160132.2, NM_001160133.2 and 1 more transcripts); short protein forms G347S.
Identifiers: ClinVar variation 521883 (VCV000521883.7), dbSNP rs1554210415, ClinGen allele CA364826809.

ClinVar aggregate classification (germline): Pathogenic/Likely pathogenic. Review status: criteria provided, multiple submitters, no conflicts (2 of 4 stars). 3 submissions from 3 submitters: Pathogenic (1); Likely pathogenic (2). Last evaluated 2025-07-30.

Conditions:
Global developmental delay (DD). Also called: Cognitive delay. Identifiers: MedGen C0557874, HP:0001263. Disease mechanism: loss of function.
Intellectual developmental disorder, autosomal dominant 46. Also called: Intellectual disability, autosomal dominant 46; MENTAL RETARDATION, AUTOSOMAL DOMINANT 46. Identifiers: MedGen C4539851, MONDO:0030911, OMIM 617601.
Inborn genetic diseases. Identifiers: MedGen C0950123, MeSH D030342.

Submissions (3):

3billion
Classification: Pathogenic for Intellectual developmental disorder, autosomal dominant 46. Last evaluated: 2025-07-30. Review status: criteria provided, single submitter. Criteria: ACMG Guidelines, 2015. Collection method: clinical testing. Allele origin: germline. Affected: yes.
Comment: The variant is not observed in the gnomAD v4.1.0 dataset. Predicted Consequence/Location: Missense variant. Missense changes are a common disease-causing mechanism. In silico tool predictions suggest damaging effect of the variant on gene or gene product [REVEL: 0.96 (>=0.6, sensitivity 0.68 and specificity 0.92); 3Cnet: 0.99 (> 0.75, sensitivity 0.96 and precision 0.92)]. The same nucleotide change resulting in the same amino acid change has been previously reported as pathogenic/likely pathogenic with strong evidence (ClinVar ID: VCV000521883 /PMID: 35377796). The variant has been previously reported as de novo in a similarly affected individual (PMID: 35377796). A different missense change at the same codon (p.Gly347Ala) has been reported to be associated with KCNQ5-related disorder (ClinVar ID: VCV000975567 /PMID: 35377796). Therefore, this variant is classified as Pathogenic according to the recommendation of ACMG/AMP guideline.

Cytogénomique, Hospices Civils de Lyon
Classification: Likely pathogenic for Global developmental delay. Last evaluated: 2019-11-01. Review status: criteria provided, single submitter. Criteria: ACMG Guidelines, 2015. Collection method: clinical testing. Allele origin: de novo. Affected: yes.

Ambry Genetics
Classification: Likely pathogenic for Inborn genetic diseases. Last evaluated: 2017-07-10. Review status: criteria provided, single submitter. Criteria: Ambry exome assertion method (8-5-2015). Collection method: clinical testing. Allele origin: germline. Affected: yes. Observed: 1 variant allele.

Literature cited by the submitters: PubMed 35377796 (cited by 3billion).